The following is an entry in ClinVar:

ClinVar aggregate classification (germline): Uncertain significance (1 of 4 stars; one submission).

Conditions:
Short-rib thoracic dysplasia 6 with or without polydactyly (SRTD6). Also called: SHORT RIB-POLYDACTYLY SYNDROME, TYPE IIA; SHORT-RIB THORACIC DYSPLASIA 6 WITH POLYDACTYLY; SHORT-RIB THORACIC DYSPLASIA 6 WITHOUT POLYDACTYLY; Majewski Syndrome; POLYDACTYLY WITH NEONATAL CHONDRODYSTROPHY, TYPE II. Identifiers: MedGen C0024507, MONDO:0009894, OMIM 263520.

Allele frequency attached by ClinVar (database versions not stated): gnomAD exomes below 0.00001.
gnomAD v4.1: 1 of 1,528,010 alleles (0.000065%); highest among the groups gnomAD compares: Non-Finnish European, 0.000089%; no homozygotes.

Submission:

Labcorp Genetics (formerly Invitae), Labcorp
Classification: Uncertain significance for Short-rib thoracic dysplasia 6 with or without polydactyly. Last evaluated: 2024-02-24. Review status: criteria provided, single submitter. Criteria: Invitae Variant Classification Sherloc (09022015). Collection method: clinical testing. Allele origin: germline.
Comment: This sequence change falls in intron 12 of the NEK1 gene. It does not directly change the encoded amino acid sequence of the NEK1 protein. It affects a nucleotide within the consensus splice site. This variant is not present in population databases (gnomAD no frequency). This variant has not been reported in the literature in individuals affected with NEK1-related conditions. ClinVar contains an entry for this variant (Variation ID: 2082142). Variants that disrupt the consensus splice site are a relatively common cause of aberrant splicing (PMID: 17576681, 9536098). Algorithms developed to predict the effect of sequence changes on RNA splicing suggest that this variant may disrupt the consensus splice site. In summary, the available evidence is currently insufficient to determine the role of this variant in disease. Therefore, it has been classified as a Variant of Uncertain Significance.

Literature cited by the submitters: PubMed 17576681; PubMed 9536098.

NM_001199397.3(NEK1):c.1080+3A>G

Gene: NEK1 (NIMA related kinase 1; minus strand). Cytogenetic location: 4q33.
Variant type: single nucleotide variant.
Coding change: c.1080+3A>G on transcript NM_001199397.3 (MANE Select); 3 bases into the intron after coding-DNA position 1080, A replaced by G.
Molecular consequence: intron variant.
Genome position (GRCh38, 1-based): chr4:169,562,134, T>C on the plus strand (A>G on the coding strand, the complement: NEK1 is on the minus strand). VCF-style: chr4-169562134-T-C. GRCh37 (hg19) VCF-style: chr4-170483285-T-C.
Other names: c.1080+3A>G (NM_001374421.1, NM_001374420.1, NM_001199399.3 and 7 more transcripts).
Identifiers: ClinVar variation 2082142 (VCV002082142.4), dbSNP rs2546795010, ClinGen allele CA2580071670.